The following is an entry in ClinVar:

ClinVar aggregate classification (germline): Benign/Likely benign. Review status: criteria provided, multiple submitters, no conflicts (2 of 4 stars). 7 submissions from 7 submitters: Benign (4); Likely benign (3). Last evaluated 2026-01-26.

Conditions:
Autoinflammatory syndrome. Identifiers: Orphanet 93665, MedGen C3890737, MONDO:0019751.
STING-associated vasculopathy with onset in infancy. Also called: Sting-associated vasculopathy, infantile-onset. Identifiers: Orphanet 425120, MedGen C4014722, MONDO:0014405, OMIM 615934.

Allele frequency attached by ClinVar (database versions not stated): gnomAD 0.00391 and 0.00418; TOPMed 0.00445; 1000 Genomes Project 0.00479; 1000 Genomes Project 30x 0.00484; ESP Exome Variant Server 0.00523.
gnomAD v4.1: 1,272 of 1,614,130 alleles (0.079%); highest among the groups gnomAD compares: African/African-American, 1.4%; 11 homozygotes.

Submissions (7):

Labcorp Genetics (formerly Invitae), Labcorp
Classification: Benign for STING-associated vasculopathy with onset in infancy. Last evaluated: 2026-01-26. Review status: criteria provided, single submitter. Criteria: Invitae Variant Classification Sherloc (09022015). Collection method: clinical testing. Allele origin: germline.

Women's Health and Genetics/Laboratory Corporation of America, LabCorp
Classification: Likely benign. Last evaluated: 2026-01-23. Review status: criteria provided, single submitter. Criteria: LabCorp Variant Classification Summary - May 2015. Collection method: clinical testing. Allele origin: germline.

Genomic Medicine Center of Excellence, King Faisal Specialist Hospital and Research Centre
Classification: Likely benign. Last evaluated: 2025-08-18. Review status: criteria provided, single submitter. Criteria: ACMG Guidelines, 2015. Collection method: clinical testing. Allele origin: germline.

Mayo Clinic Laboratories, Mayo Clinic
Classification: Benign. Last evaluated: 2025-06-24. Review status: criteria provided, single submitter. Criteria: ACMG Guidelines, 2015. Collection method: clinical testing. Allele origin: germline. Observed: 3 variant alleles.
Comment: BS1, BS2

Blueprint Genetics
Classification: Likely benign. Last evaluated: 2024-10-22. Review status: criteria provided, single submitter. Criteria: ACMG Guidelines, 2015. Collection method: clinical testing. Allele origin: germline.

CeGaT Center for Human Genetics Tuebingen
Classification: Benign. Last evaluated: 2022-06-01. Review status: criteria provided, single submitter. Criteria: CeGaT Center For Human Genetics Tuebingen Variant Classification Criteria Version 2. Collection method: clinical testing. Allele origin: germline. Affected: yes. Observed: 2 variant alleles.
Comment: STING1: BS1, BS2

Genome Diagnostics Laboratory, The Hospital for Sick Children
Classification: Benign for Autoinflammatory syndrome. Last evaluated: 2019-06-01. Review status: criteria provided, single submitter. Criteria: ACMG Guidelines, 2015. Collection method: clinical testing. Allele origin: germline. Affected: yes.

NM_198282.4(STING1):c.659G>A (p.Arg220His)

Gene: STING1 (stimulator of interferon response cGAMP interactor 1; minus strand). Cytogenetic location: 5q31.2.
Variant type: single nucleotide variant.
Coding change: c.659G>A on transcript NM_198282.4 (MANE Select); coding-DNA position 659, G replaced by A.
Protein change: p.Arg220His; replaces arginine 220 with histidine.
Molecular consequence: missense variant.
Genome position (GRCh38, 1-based): chr5:139,478,370, C>T on the plus strand (G>A on the coding strand, the complement: STING1 is on the minus strand). VCF-style: chr5-139478370-C-T. GRCh37 (hg19) VCF-style: chr5-138857955-C-T.
Other names: p.Arg220His; c.659G>A, p.Arg220His (NM_001301738.2, LRG_1308t1); c.302G>A, p.Arg101His (NM_001367258.1); short protein forms R220H, R101H.
Identifiers: ClinVar variation 475210 (VCV000475210.43), dbSNP rs144010323, ClinGen allele CA3435351.